The following is an entry in ClinVar:

NM_052845.4(MMAB):c.*1230G>T

Gene: MMAB (metabolism of cobalamin associated B; minus strand). Cytogenetic location: 12q24.11.
Variant type: single nucleotide variant.
Coding change: c.*1230G>T on transcript NM_052845.4 (MANE Select); 1230 bases downstream of the stop codon, G replaced by T.
Molecular consequence: 3 prime UTR variant. On other transcripts: non-coding transcript variant (1).
Genome position (GRCh38, 1-based): chr12:109,555,798, C>A on the plus strand (G>T on the coding strand, the complement: MMAB is on the minus strand). VCF-style: chr12-109555798-C-A. GRCh37 (hg19) VCF-style: chr12-109993603-C-A.
Identifiers: ClinVar variation 307039 (VCV000307039.6), dbSNP rs11067231, ClinGen allele CA6778633.
Genomic context (GRCh38, chr12:109,555,798, plus strand): 5'-AATGAAAGGACCCAGAAGACACAAGTGAATATACCTGGCCCTCCTGCAAACTTTGCAGGC[C>A]AGGTGGTAAGAATGAAGGCAAAAATATGCACGTGACTAAGAAGGTAATGTTTGCTGACTT-3'

ClinVar aggregate classification (germline): Benign. Review status: criteria provided, multiple submitters, no conflicts (2 of 4 stars). 2 submissions from 2 submitters: Benign (2). Last evaluated 2018-01-12.

Conditions:
Methylmalonic aciduria, cblB type (MACB). Also called: Vitamin B12-responsive methylmalonic acidemia type cblB; METHYLMALONIC ACIDURIA, VITAMIN B12-RESPONSIVE, DUE TO DEFECT IN SYNTHESIS OF ADENOSYLCOBALAMIN, cblB TYPE; Methylmalonic acidemia cblB type. Identifiers: Orphanet 28, Orphanet 79311, MedGen C1855102, MONDO:0009614, OMIM 251110.

Allele frequency attached by ClinVar (database versions not stated): gnomAD 0.57792 and 0.56662; gnomAD exomes 0.49056 and 0.50433; 1000 Genomes Project 30x 0.52139; 1000 Genomes Project 0.51338; TOPMed 0.58047; ExAC 0.46437.
gnomAD v4.1: 238,442 of 453,606 alleles (53%); highest among the groups gnomAD compares: African/African-American, 72%; 65,034 homozygotes.

Submissions (2):

Illumina Laboratory Services, Illumina
Classification: Benign for Methylmalonic aciduria, cblB type. Last evaluated: 2018-01-12. Review status: criteria provided, single submitter. Criteria: ICSL Variant Classification Criteria 13 December 2019. Collection method: clinical testing. Allele origin: germline.
Comment: This variant was observed in the ICSL laboratory as part of a predisposition screen in an ostensibly healthy population. It had not been previously curated by ICSL or reported in the Human Gene Mutation Database (HGMD: prior to June 1st, 2018), and was therefore a candidate for classification through an automated scoring system. Utilizing variant allele frequency, disease prevalence and penetrance estimates, and inheritance mode, an automated score was calculated to assess if this variant is too frequent to cause the disease. Based on the score and internal cut-off values, a variant classified as benign is not then subjected to further curation. The score for this variant resulted in a classification of benign for this disease.

Breakthrough Genomics
Classification: Benign. Review status: criteria provided, single submitter. Criteria: ACMG Guidelines, 2015. Collection method: not provided. Allele origin: germline. Inheritance: Autosomal recessive inheritance. Affected: yes.